The following is an entry in ClinVar:

ClinVar aggregate classification (germline): Conflicting classifications of pathogenicity. Review status: criteria provided, conflicting classifications (1 of 4 stars). 2 submissions from 2 submitters: Uncertain significance (1); Likely benign (1). Last evaluated 2025-06-04.

Allele frequency attached by ClinVar (database versions not stated): ExAC 0.00001; gnomAD exomes 0.00001; gnomAD 0.00003; TOPMed 0.00005; ESP Exome Variant Server 0.00008.
gnomAD v4.1: 24 of 1,614,078 alleles (0.0015%); highest among the groups gnomAD compares: African/African-American, 0.011%; no homozygotes.

Submissions (2):

Labcorp Genetics (formerly Invitae), Labcorp
Classification: Uncertain significance. Last evaluated: 2025-06-04. Review status: criteria provided, single submitter. Criteria: Invitae Variant Classification Sherloc (09022015). Collection method: clinical testing. Allele origin: germline.
Comment: This sequence change replaces threonine, which is neutral and polar, with methionine, which is neutral and non-polar, at codon 441 of the ARHGEF10 protein (p.Thr441Met). This variant is present in population databases (rs146529284, gnomAD 0.01%). This variant has not been reported in the literature in individuals affected with ARHGEF10-related conditions. ClinVar contains an entry for this variant (Variation ID: 2365380). Invitae Evidence Modeling of protein sequence and biophysical properties (such as structural, functional, and spatial information, amino acid conservation, physicochemical variation, residue mobility, and thermodynamic stability) indicates that this missense variant is not expected to disrupt ARHGEF10 protein function with a negative predictive value of 80%. In summary, the available evidence is currently insufficient to determine the role of this variant in disease. Therefore, it has been classified as a Variant of Uncertain Significance.

Ambry Genetics
Classification: Likely benign. Last evaluated: 2021-08-02. Review status: criteria provided, single submitter. Criteria: Ambry Variant Classification Scheme 2023. Collection method: clinical testing. Allele origin: germline.

NM_014629.4(ARHGEF10):c.1322C>T (p.Thr441Met)

Gene: ARHGEF10 (Rho guanine nucleotide exchange factor 10; plus strand). Cytogenetic location: 8p23.3.
Variant type: single nucleotide variant.
Coding change: c.1322C>T on transcript NM_014629.4 (MANE Select); coding-DNA position 1322, C replaced by T.
Protein change: p.Thr441Met; replaces threonine 441 with methionine.
Molecular consequence: missense variant.
Genome position (GRCh38, 1-based): chr8:1,894,454, C>T. VCF-style: chr8-1894454-C-T. GRCh37 (hg19) VCF-style: chr8-1842620-C-T.
Other names: c.1208C>T, p.Thr403Met (NM_001308152.2); c.1325C>T, p.Thr442Met (NM_001308153.3); short protein forms T441M, T403M, T466M, T442M.
Identifiers: ClinVar variation 2365380 (VCV002365380.3), dbSNP rs146529284, ClinGen allele CA4600324.
Genomic context (GRCh38, chr8:1,894,454, plus strand): 5'-AATATGAGAAGCCGCTGTCTGAGATGGAGCCAAAGGTTCTGAGTGAGAGGAAGCTGAAGA[C>T]GGTGTTCTACCGAGTCAAAGAGATCCTGCAGTGCCACTCGCTATTTCAGATCGCGCTGGC-3'
Protein context (NP_055444.2, residues 431-451): PKVLSERKLK[Thr441Met]VFYRVKEILQ